The following is an entry in ClinVar:

ClinVar aggregate classification (germline): Uncertain significance. Review status: criteria provided, multiple submitters, no conflicts (2 of 4 stars). 2 submissions from 2 submitters: Uncertain significance (2). Last evaluated 2022-06-14.

Conditions:
Menkes kinky-hair syndrome (MNK). Also called: Copper transport disease; Menkes Disease; Classic Menkes Disease. Identifiers: Orphanet 565, MedGen C0022716, MONDO:0010651, OMIM 309400.
Cutis laxa, X-linked (OHS). Also called: EDS IX; Occipital horn syndrome. Identifiers: Orphanet 198, MedGen C0268353, MONDO:0010572, OMIM 304150.
X-linked distal spinal muscular atrophy type 3. Also called: ATP7A-Related Distal Motor Neuropathy; SPINAL MUSCULAR ATROPHY, DISTAL, X-LINKED RECESSIVE; NEURONOPATHY, DISTAL HEREDITARY MOTOR, X-LINKED; NEUROPATHY, DISTAL HEREDITARY MOTOR, X-LINKED. Identifiers: Orphanet 139557, MedGen C1845359, MONDO:0010338, OMIM 300489.

Allele frequency attached by ClinVar (database versions not stated): TOPMed 0.00001.

Submissions (2):

Labcorp Genetics (formerly Invitae), Labcorp
Classification: Uncertain significance for X-linked distal spinal muscular atrophy type 3; Cutis laxa, X-linked; Menkes kinky-hair syndrome. Last evaluated: 2022-06-14. Review status: criteria provided, single submitter. Criteria: Invitae Variant Classification Sherloc (09022015). Collection method: clinical testing. Allele origin: germline.
Comment: This sequence change replaces lysine, which is basic and polar, with arginine, which is basic and polar, at codon 740 of the ATP7A protein (p.Lys740Arg). This variant is not present in population databases (gnomAD no frequency). This variant has not been reported in the literature in individuals affected with ATP7A-related conditions. ClinVar contains an entry for this variant (Variation ID: 1307845). Advanced modeling of protein sequence and biophysical properties (such as structural, functional, and spatial information, amino acid conservation, physicochemical variation, residue mobility, and thermodynamic stability) performed at Invitae indicates that this missense variant is not expected to disrupt ATP7A protein function. In summary, the available evidence is currently insufficient to determine the role of this variant in disease. Therefore, it has been classified as a Variant of Uncertain Significance.

GeneDx
Classification: Uncertain significance. Last evaluated: 2019-08-08. Review status: criteria provided, single submitter. Criteria: GeneDx Variant Classification Process June 2021. Collection method: clinical testing. Allele origin: germline. Affected: yes.
Comment: Not observed in large population cohorts (Lek et al., 2016); In silico analysis, which includes protein predictors and evolutionary conservation, supports that this variant does not alter protein structure/function; Has not been previously published as pathogenic or benign to our knowledge

NM_000052.7(ATP7A):c.2219A>G (p.Lys740Arg)

Gene: ATP7A (ATPase copper transporting alpha; plus strand). Cytogenetic location: Xq21.1.
Variant type: single nucleotide variant.
Coding change: c.2219A>G on transcript NM_000052.7 (MANE Select); coding-DNA position 2219, A replaced by G.
Protein change: p.Lys740Arg; replaces lysine 740 with arginine.
Molecular consequence: missense variant. On other transcripts: intron variant (1).
Genome position (GRCh38, 1-based): chrX:78,012,925, A>G. VCF-style: chrX-78012925-A-G. GRCh37 (hg19) VCF-style: chrX-77268422-A-G.
Other names: c.2172+1251A>G (NM_001282224.2); short protein forms K740R.
Identifiers: ClinVar variation 1307845 (VCV001307845.3), dbSNP rs2077837209, ClinGen allele CA413598696.